The following is an entry in ClinVar:

ClinVar aggregate classification (germline): Uncertain significance. Review status: criteria provided, multiple submitters, no conflicts (2 of 4 stars). 2 submissions from 2 submitters: Uncertain significance (2). Last evaluated 2026-01-18.

Conditions:
GRN-related frontotemporal lobar degeneration with Tdp43 inclusions (FTD2). Also called: GRN Frontotemporal Dementia; DEMENTIA, HEREDITARY DYSPHASIC DISINHIBITION; FRONTOTEMPORAL LOBAR DEGENERATION WITH UBIQUITIN-POSITIVE INCLUSIONS; FTLD-TDP, GRN-RELATED; FRONTOTEMPORAL DEMENTIA WITH TDP43 INCLUSIONS, GRN-RELATED. Identifiers: Orphanet 100070, Orphanet 282, MedGen C1843792, MONDO:0011842, OMIM 607485. Disease mechanism: loss of function.
Neuronal ceroid lipofuscinosis 11. Also called: GRN-Related Neuronal Ceroid-Lipofuscinosis. Identifiers: Orphanet 314629, Orphanet 79262, MedGen C3539123, MONDO:0013866, OMIM 614706.

Allele frequency attached by ClinVar (database versions not stated): TOPMed below 0.00001; gnomAD 0.00001; ExAC 0.00002; gnomAD exomes 0.00002 and 0.00003.
gnomAD v4.1: 39 of 1,613,912 alleles (0.0024%); highest among the groups gnomAD compares: Non-Finnish European, 0.0029%; no homozygotes.

Submissions (2):

Labcorp Genetics (formerly Invitae), Labcorp
Classification: Uncertain significance for Neuronal ceroid lipofuscinosis 11; GRN-related frontotemporal lobar degeneration with Tdp43 inclusions. Last evaluated: 2026-01-18. Review status: criteria provided, single submitter. Criteria: Invitae Variant Classification Sherloc (09022015). Collection method: clinical testing. Allele origin: germline.
Comment: This sequence change replaces glutamic acid, which is acidic and polar, with lysine, which is basic and polar, at codon 496 of the GRN protein (p.Glu496Lys). This variant is present in population databases (rs764615963, gnomAD 0.007%). This variant has not been reported in the literature in individuals affected with GRN-related conditions. ClinVar contains an entry for this variant (Variation ID: 435391). Invitae Evidence Modeling of protein sequence and biophysical properties (such as structural, functional, and spatial information, amino acid conservation, physicochemical variation, residue mobility, and thermodynamic stability) indicates that this missense variant is expected to disrupt GRN protein function with a positive predictive value of 80%. In summary, the available evidence is currently insufficient to determine the role of this variant in disease. Therefore, it has been classified as a Variant of Uncertain Significance.

Genetic Services Laboratory, University of Chicago
Classification: Uncertain significance. Last evaluated: 2016-02-01. Review status: criteria provided, single submitter. Criteria: ACMG Guidelines, 2015. Collection method: clinical testing. Allele origin: germline. Affected: no.

NM_002087.4(GRN):c.1486G>A (p.Glu496Lys)

Gene: GRN (granulin precursor; plus strand). Cytogenetic location: 17q21.31.
Variant type: single nucleotide variant.
Coding change: c.1486G>A on transcript NM_002087.4 (MANE Select); coding-DNA position 1486, G replaced by A.
Protein change: p.Glu496Lys; replaces glutamic acid 496 with lysine.
Molecular consequence: missense variant.
Genome position (GRCh38, 1-based): chr17:44,352,413, G>A. VCF-style: chr17-44352413-G-A. GRCh37 (hg19) VCF-style: chr17-42429781-G-A.
Other names: short protein forms E496K.
Identifiers: ClinVar variation 435391 (VCV000435391.10), dbSNP rs764615963, ClinGen allele CA8602220.